The following is an entry in ClinVar:

NM_133510.4(RAD51B):c.663T>G (p.Asp221Glu)

Gene: RAD51B (RAD51 paralog B; plus strand). Cytogenetic location: 14q24.1.
Variant type: single nucleotide variant.
Coding change: c.663T>G on transcript NM_133510.4 (MANE Select); coding-DNA position 663, T replaced by G.
Protein change: p.Asp221Glu; replaces aspartic acid 221 with glutamic acid.
Molecular consequence: missense variant.
Genome position (GRCh38, 1-based): chr14:67,887,111, T>G. VCF-style: chr14-67887111-T-G. GRCh37 (hg19) VCF-style: chr14-68353828-T-G.
Other names: c.663T>G, p.Asp221Glu (NM_001321809.2, NM_001321810.2, NM_001321812.1 and 6 more transcripts); c.549T>G, p.Asp183Glu (NM_001321815.1); c.306T>G, p.Asp102Glu (NM_001321817.2); short protein forms D221E, D102E, D183E.
Identifiers: ClinVar variation 3942284 (VCV003942284.1).

ClinVar aggregate classification (germline): Uncertain significance (1 of 4 stars; one submission).

gnomAD v4.1: 1 of 1,604,050 alleles (0.000062%); highest among the groups gnomAD compares: Non-Finnish European, 0.000085%; no homozygotes.

Submission:

Ambry Genetics
Classification: Uncertain significance. Last evaluated: 2025-04-02. Review status: criteria provided, single submitter. Criteria: Ambry Variant Classification Scheme 2023. Collection method: clinical testing. Allele origin: germline.
Comment: The p.D221E variant (also known as c.663T>G), located in coding exon 6 of the RAD51B gene, results from a T to G substitution at nucleotide position 663. The aspartic acid at codon 221 is replaced by glutamic acid, an amino acid with highly similar properties. This amino acid position is conserved. In addition, this alteration is predicted to be tolerated by in silico analysis. Based on the available evidence, the clinical significance of this variant remains unclear.